The following is an entry in ClinVar:

NM_007038.5(ADAMTS5):c.2075T>C (p.Leu692Pro)

Gene: ADAMTS5 (ADAM metallopeptidase with thrombospondin type 1 motif 5; minus strand). Cytogenetic location: 21q21.3.
Variant type: single nucleotide variant.
Coding change: c.2075T>C on transcript NM_007038.5 (MANE Select); coding-DNA position 2075, T replaced by C.
Protein change: p.Leu692Pro; replaces leucine 692 with proline.
Molecular consequence: missense variant.
Genome position (GRCh38, 1-based): chr21:26,930,036, A>G on the plus strand (T>C on the coding strand, the complement: ADAMTS5 is on the minus strand). VCF-style: chr21-26930036-A-G. GRCh37 (hg19) VCF-style: chr21-28302355-A-G.
Other names: short protein forms L692P.
Identifiers: ClinVar variation 1249546 (VCV001249546.3), dbSNP rs226794, ClinGen allele CA9988945.

ClinVar aggregate classification (germline): Benign. Review status: criteria provided, multiple submitters, no conflicts (2 of 4 stars). 2 submissions from 2 submitters: Benign (2). Last evaluated 2021-02-23.

Allele frequency attached by ClinVar (database versions not stated): 1000 Genomes Project 0.80970; TOPMed 0.87924; gnomAD 0.88530 and 0.89240; ESP Exome Variant Server 0.91473; 1000 Genomes Project 30x 0.81777; gnomAD exomes 0.82934 and 0.87470; ExAC 0.84017.
gnomAD v4.1: 1,412,780 of 1,613,948 alleles (88%); highest among the groups gnomAD compares: African/African-American, 97%; 624,427 homozygotes.

Submissions (2):

GeneDx
Classification: Benign. Last evaluated: 2021-02-23. Review status: criteria provided, single submitter. Criteria: GeneDx Variant Classification Process June 2021. Collection method: clinical testing. Allele origin: germline. Affected: yes.
Comment: This variant is associated with the following publications: (PMID: 28081267)

Breakthrough Genomics
Classification: Benign. Review status: criteria provided, single submitter. Criteria: ACMG Guidelines, 2015. Collection method: not provided. Allele origin: germline. Inheritance: Unknown mechanism. Affected: yes.